The following is an entry in ClinVar:

ClinVar aggregate classification (germline): Pathogenic. Review status: criteria provided, multiple submitters, no conflicts (2 of 4 stars). 2 submissions from 2 submitters: Pathogenic (2). Last evaluated 2024-09-23.

Conditions:
Renal tubular acidosis, distal, 3, with or without sensorineural hearing loss (DRTA3). Identifiers: MedGen C5399980, MONDO:0011268, OMIM 602722.

Submissions (2):

GeneDx
Classification: Pathogenic. Last evaluated: 2024-09-23. Review status: criteria provided, single submitter. Criteria: GeneDx Variant Classification Process June 2021. Collection method: clinical testing. Allele origin: germline. Affected: yes.
Comment: Frameshift variant predicted to result in protein truncation or nonsense mediated decay in a gene for which loss of function is a known mechanism of disease; Not observed at significant frequency in large population cohorts (gnomAD); This variant is associated with the following publications: (PMID: 28188436)

Neuberg Centre For Genomic Medicine, NCGM
Classification: Pathogenic for Renal tubular acidosis, distal, 3, with or without sensorineural hearing loss. Review status: criteria provided, single submitter. Criteria: ACMG Guidelines, 2015. Collection method: clinical testing. Allele origin: germline. Inheritance: Autosomal recessive inheritance. Affected: yes.

NM_020632.3(ATP6V0A4):c.1107del (p.Asn370fs)

Gene: ATP6V0A4 (ATPase H+ transporting V0 subunit a4; minus strand). Cytogenetic location: 7q34.
Variant type: Deletion.
Coding change: c.1107del on transcript NM_020632.3 (MANE Select); coding-DNA position 1107, one base deleted (C; older notation c.1107delC).
Protein change: p.Asn370fs; shifts the reading frame from asparagine 370.
Molecular consequence: frameshift variant.
Genome position (GRCh38, 1-based): chr7:138,749,240, G deleted on the plus strand (C on the coding strand, the reverse complement: ATP6V0A4 is on the minus strand); the first of 2 consecutive G bases (chr7:138,749,240-138,749,241); deleting either gives the same sequence. VCF-style (leftmost placement, unchanged base first): chr7-138749239-TG-T. GRCh37 (hg19) VCF-style: chr7-138433984-TG-T.
Other names: c.1107del, p.Asn370fs (NM_130840.3, NM_130841.3); short protein forms N370fs.
Identifiers: ClinVar variation 3773929 (VCV003773929.1).